The following is an entry in ClinVar:

ClinVar aggregate classification (germline): Pathogenic (1 of 4 stars; one submission).

Conditions:
Alstrom syndrome (ALMS). Identifiers: Orphanet 64, MedGen C0268425, MONDO:0008763, OMIM 203800.

gnomAD v4.1: 2 of 1,614,046 alleles (0.00012%); highest among the groups gnomAD compares: Non-Finnish European, 0.00017%; no homozygotes.

Submission:

Labcorp Genetics (formerly Invitae), Labcorp
Classification: Pathogenic for Alstrom syndrome. Last evaluated: 2022-05-29. Review status: criteria provided, single submitter. Criteria: Invitae Variant Classification Sherloc (09022015). Collection method: clinical testing. Allele origin: germline.
Comment: For these reasons, this variant has been classified as Pathogenic. This sequence change creates a premature translational stop signal (p.Cys3801*) in the ALMS1 gene. It is expected to result in an absent or disrupted protein product. Loss-of-function variants in ALMS1 are known to be pathogenic (PMID: 17594715). This variant is not present in population databases (gnomAD no frequency). This variant has not been reported in the literature in individuals affected with ALMS1-related conditions.

Literature cited by the submitters: PubMed 17594715.

NM_001378454.1(ALMS1):c.11400C>A (p.Cys3800Ter)

Gene: ALMS1 (ALMS1 centrosome and basal body associated protein; plus strand). Cytogenetic location: 2p13.1.
Variant type: single nucleotide variant.
Coding change: c.11400C>A on transcript NM_001378454.1 (MANE Select); coding-DNA position 11400, C replaced by A.
Protein change: p.Cys3800Ter; replaces cysteine 3800 with a stop codon.
Molecular consequence: nonsense.
Genome position (GRCh38, 1-based): chr2:73,573,277, C>A. VCF-style: chr2-73573277-C-A. GRCh37 (hg19) VCF-style: chr2-73800404-C-A.
Other names: c.11403C>A, p.Cys3801Ter (NM_015120.4); short protein forms C3800*, C3801*.
Identifiers: ClinVar variation 2000629 (VCV002000629.4), dbSNP rs1215015585, ClinGen allele CA347289541.
Genomic context (GRCh38, chr2:73,573,277, plus strand): 5'-CTCTGTTTCCACTATTGACACTGCCCGGCTGATTCAAGCTTTTGGCCATGAAAGAGTATG[C>A]TTGTCACCCAGACGAATTAAATTATATAGCAGCATCACCAACCAACAGAGGAGATACCTT-3'